The following is an entry in ClinVar:

NM_001035.3(RYR2):c.12544G>C (p.Glu4182Gln)

Genes: RYR2 (ryanodine receptor 2; plus strand), LOC126806068 (BRD4-independent group 4 enhancer GRCh37_chr1:237947411-237948610; plus strand). Cytogenetic location: 1q43.
Variant type: single nucleotide variant.
Coding change: c.12544G>C on transcript NM_001035.3 (MANE Select); coding-DNA position 12544, G replaced by C.
Protein change: p.Glu4182Gln; replaces glutamic acid 4182 with glutamine.
Molecular consequence: missense variant.
Genome position (GRCh38, 1-based): chr1:237,784,256, G>C. VCF-style: chr1-237784256-G-C. GRCh37 (hg19) VCF-style: chr1-237947556-G-C.
Other names: p.E4182Q:GAG>CAG; short protein forms E4182Q.
Identifiers: ClinVar variation 43720 (VCV000043720.9), dbSNP rs397516508, ClinGen allele CA007580.

ClinVar aggregate classification (germline): Likely pathogenic. Review status: criteria provided, multiple submitters, no conflicts (2 of 4 stars). 4 submissions from 4 submitters: Likely pathogenic (4). Last evaluated 2024-10-08.

Conditions:
Cardiovascular phenotype. Identifiers: MedGen CN230736.
Catecholaminergic polymorphic ventricular tachycardia 1. Also called: VENTRICULAR TACHYCARDIA, STRESS-INDUCED POLYMORPHIC 1; VENTRICULAR TACHYCARDIA, CATECHOLAMINERGIC POLYMORPHIC, 1, WITH OR WITHOUT ATRIAL DYSFUNCTION AND/OR DILATED CARDIOMYOPATHY; RYR2-Related Catecholaminergic Polymorphic Ventricular Tachycardia. Identifiers: Orphanet 3286, MedGen C1631597, MONDO:0011484, OMIM 604772.
Catecholaminergic polymorphic ventricular tachycardia (CVPT). Also called: Catecholamine-induced polymorphic ventricular tachycardia. Identifiers: Orphanet 3286, MedGen C5574922, MONDO:0017990.

Submissions (4):

Victorian Clinical Genetics Services, Murdoch Childrens Research Institute
Classification: Likely pathogenic for Catecholaminergic polymorphic ventricular tachycardia 1. Last evaluated: 2024-10-08. Review status: criteria provided, single submitter. Criteria: ACMG Guidelines, 2015. Collection method: clinical testing. Allele origin: germline. Inheritance: Autosomal dominant inheritance. Affected: yes.
Comment: Based on the classification scheme VCGS_Germline_v1.3.4, this variant is classified as Likely pathogenic. Following criteria are met: 0103 - Dominant negative and gain of function are known mechanisms of disease in this gene and are associated with catecholaminergic polymorphic ventricular tachycardia 1 (MIM#604772) and left ventricular non-compaction (PMIDs: 12459180, 27646203, 29477366, 31875585, 33500567). Loss of function has been reported for ventricular arrhythmias due to cardiac ryanodine receptor calcium release deficiency syndrome (MIM#115000); however, a dominant negative mechanism has not been excluded (PMID: 33536282). (I) 0107 - This gene is associated with autosomal dominant disease. (I) 0112 - The condition associated with this gene has incomplete penetrance. Penetrance for CPVT is estimated to be 60-70% (PMID: 23549275). (I) 0200 - Variant is predicted to result in a missense amino acid change from glutamic acid to glutamine. (I) 0251 - This variant is heterozygous. (I) 0301 - Variant is absent from gnomAD (both v2 and v3). (SP) 0501 - Missense variant consistently predicted to be damaging by multiple in silico tools or highly conserved with a major amino acid change. (SP) 0602 - Variant is located in a hotspot region or cluster of pathogenic variants (PMID: 30696458). (SP) 0708 - Another missense variant comparable to the one identified in this case has conflicting previous evidence for pathogenicity. An alternative amino acid substitution at the same position, p.(Glu4182Ala), has been classified as a VUS and as likely pathogenic by clinical laboratories in ClinVar. (I) 0802 - This variant has moderate previous evidence of pathogenicity in unrelated individuals. This variant has been classified as likely pathogenic by clinical laboratories in ClinVar, with one entry reporting the variant as de novo in an individual with CPVT. (SP) 0905 - No published segregation evidence has been identified for this variant. (I) 1007 - No published functional evidence has been identified for this variant. (I) 1208 - Inheritance information for this variant is not currently available in this individual. (I) Legend: (SP) - Supporting pathogenic, (I) - Information, (SB) - Supporting benign

Molecular Diagnostic Laboratory for Inherited Cardiovascular Disease, Montreal Heart Institute
Classification: Likely pathogenic for Cardiovascular phenotype. Last evaluated: 2024-02-22. Review status: criteria provided, single submitter. Criteria: ACMG Guidelines, 2015. Collection method: clinical testing. Allele origin: germline. Affected: yes.
Comment: PM1, PM2, PP2, PP3, PP5

GeneDx
Classification: Likely pathogenic. Last evaluated: 2013-12-27. Review status: criteria provided, single submitter. Criteria: GeneDx Variant Classification (06012015). Collection method: clinical testing. Allele origin: germline. Affected: yes.
Comment: p.Glu4182Gln (GAG>CAG): c.12544 G>C in exon 90 of the RYR2 gene (NM_001035.2). The Glu4182Gln variant in the RYR2 gene has not been reported as a disease-causing mutation or as a benign polymorphism to our knowledge. The Glu4182Gln variant is a semi-conservative amino acid substitution as these residues share similar properties, but differ in size, charge, or other properties which may impact secondary structure. However, the Glu4182Gln residue is conserved across species. In silico analysis predicts Glu4182Gln is probably damaging to the protein structure/function. Mutations in nearby residues (Asn4178Tyr, Asn4178Ser, Glu4187Gln, and Leu4188Pro) have been reported in association with CPVT, further supporting the functional importance of this region of the protein. Glu4182Gln is located in the channel region, a mutation hotspot region of the RYR2 gene (Medeiros- Domingo A et al., 2009). Furthermore, the Glu4182Gln variant was not observed in approximately 6,000 individuals of European and African American ancestry in the NHLBI Exome Sequencing Project, indicating it is not a common benign variant in these populations. In summary, while Glu4182Gln is a good candidate for a disease-causing mutation, we cannot unequivocally determine the clinical significance of this variant. The variant is found in CPVT panel(s).

Laboratory for Molecular Medicine, Mass General Brigham Personalized Medicine
Classification: Likely pathogenic for Catecholaminergic polymorphic ventricular tachycardia. Last evaluated: 2013-04-26. Review status: criteria provided, single submitter. Criteria: LMM Criteria. Collection method: clinical testing. Allele origin: germline. Observed: 1 variant allele.
Comment: This variant has not been seen i n large population studies. Computational analyses (biochemical amino acid prope rties, conservation, AlignGVGD, PolyPhen2, and SIFT) suggest that the Glu4182Gln variant may impact the protein, though this information is not predictive enoug h to determine pathogenicity. In summary, all available data supports that the Glu4182Gln variant is likely pathogenic, but additional studies are needed to fu lly assess its clinical significance.

Literature cited by the submitters: PubMed 12459180 (cited by Victorian Clinical Genetics Services, Murdoch Childrens Research Institute); PubMed 23549275 (cited by Victorian Clinical Genetics Services, Murdoch Childrens Research Institute); PubMed 27646203 (cited by Victorian Clinical Genetics Services, Murdoch Childrens Research Institute); PubMed 29477366 (cited by Victorian Clinical Genetics Services, Murdoch Childrens Research Institute); PubMed 30696458 (cited by Victorian Clinical Genetics Services, Murdoch Childrens Research Institute); PubMed 31875585 (cited by Victorian Clinical Genetics Services, Murdoch Childrens Research Institute); PubMed 33500567 (cited by Victorian Clinical Genetics Services, Murdoch Childrens Research Institute); PubMed 33536282 (cited by Victorian Clinical Genetics Services, Murdoch Childrens Research Institute).